The following is an entry in ClinVar:

NM_003738.5(PTCH2):c.1465-105_1545del

Gene: PTCH2 (patched 2; minus strand). Cytogenetic location: 1p34.1.
Variant type: Deletion.
Coding change: c.1465-105_1545del on transcript NM_003738.5 (MANE Select); 105 bases into the intron before coding-DNA position 1465 through coding-DNA position 1545, 186 bases deleted.
Molecular consequence: splice acceptor variant.
Genome position (GRCh38, 1-based): chr1:44,828,551-44,828,736, 186 bases deleted. GRCh37 (hg19): chr1:45,294,226-45,294,411.
Other names: c.1465-105_1545del (NM_001166292.2).
Identifiers: ClinVar variation 3664553 (VCV003664553.2).

ClinVar aggregate classification (germline): Uncertain significance (1 of 4 stars; one submission).

Conditions:
Gorlin syndrome. Also called: Nevoid Basal Cell Carcinoma Syndrome; Basal cell nevus syndrome. Identifiers: Orphanet 377, MedGen C0004779, MONDO:0007187.

Submission:

Labcorp Genetics (formerly Invitae), Labcorp
Classification: Uncertain significance for Gorlin syndrome. Last evaluated: 2025-08-24. Review status: criteria provided, single submitter. Criteria: Invitae Variant Classification Sherloc (09022015). Collection method: clinical testing. Allele origin: germline.
Comment: This variant results in the deletion of part of exon 12 (c.1465-105_1545del) of the PTCH2 gene. It is expected to disrupt RNA splicing. Variants that disrupt the donor or acceptor splice site typically lead to a loss of protein function (PMID: 16199547), however the current clinical and genetic evidence is not sufficient to establish whether loss-of-function variants in PTCH2 cause disease. This variant is not present in population databases (gnomAD no frequency). This variant has not been reported in the literature in individuals affected with PTCH2-related conditions. ClinVar contains an entry for this variant (Variation ID: 3664553). In summary, the available evidence is currently insufficient to determine the role of this variant in disease. Therefore, it has been classified as a Variant of Uncertain Significance.

Literature cited by the submitters: PubMed 16199547.